The following is an entry in ClinVar:

ClinVar aggregate classification (germline): Uncertain significance (1 of 4 stars; one submission).

Conditions:
Hypodontia. Also called: Partial congenital absence of teeth; TOOTH AGENESIS, FAMILIAL; Tooth agenesis, selective. Identifiers: Orphanet 99798, MedGen C0020608, MONDO:0005486, HP:0000668. Disease mechanism: loss of function.

Allele frequency attached by ClinVar (database versions not stated): TOPMed 0.00001; gnomAD 0.00003; ESP Exome Variant Server 0.00008.
gnomAD v4.1: 20 of 1,612,848 alleles (0.0012%); highest among the groups gnomAD compares: African/African-American, 0.0027%; no homozygotes.

Submission:

Labcorp Genetics (formerly Invitae), Labcorp
Classification: Uncertain significance for Hypodontia. Last evaluated: 2023-04-24. Review status: criteria provided, single submitter. Criteria: Invitae Variant Classification Sherloc (09022015). Collection method: clinical testing. Allele origin: germline.
Comment: This variant is present in population databases (rs368669343, gnomAD 0.005%). This sequence change replaces arginine, which is basic and polar, with histidine, which is basic and polar, at codon 190 of the PAX9 protein (p.Arg190His). This variant has not been reported in the literature in individuals affected with PAX9-related conditions. In summary, the available evidence is currently insufficient to determine the role of this variant in disease. Therefore, it has been classified as a Variant of Uncertain Significance. Advanced modeling of protein sequence and biophysical properties (such as structural, functional, and spatial information, amino acid conservation, physicochemical variation, residue mobility, and thermodynamic stability) performed at Invitae indicates that this missense variant is not expected to disrupt PAX9 protein function. ClinVar contains an entry for this variant (Variation ID: 1908697).

NM_001372076.1(PAX9):c.569G>A (p.Arg190His)

Gene: PAX9 (paired box 9; plus strand). Cytogenetic location: 14q13.3.
Variant type: single nucleotide variant.
Coding change: c.569G>A on transcript NM_001372076.1 (MANE Select); coding-DNA position 569, G replaced by A.
Protein change: p.Arg190His; replaces arginine 190 with histidine.
Molecular consequence: missense variant.
Genome position (GRCh38, 1-based): chr14:36,663,461, G>A. VCF-style: chr14-36663461-G-A. GRCh37 (hg19) VCF-style: chr14-37132666-G-A.
Other names: c.569G>A, p.Arg190His (NM_006194.4); short protein forms R190H.
Identifiers: ClinVar variation 1908697 (VCV001908697.5), dbSNP rs368669343, ClinGen allele CA7158997.